The following is an entry in ClinVar:

ClinVar aggregate classification (germline): Pathogenic (1 of 4 stars; one submission).

Submission:

Labcorp Genetics (formerly Invitae), Labcorp
Classification: Pathogenic. Last evaluated: 2022-12-24. Review status: criteria provided, single submitter. Criteria: Invitae Variant Classification Sherloc (09022015). Collection method: clinical testing. Allele origin: germline.
Comment: For these reasons, this variant has been classified as Pathogenic. This variant disrupts a region of the ASNS protein in which other variant(s) (p.Arg550Cys) have been determined to be pathogenic (PMID: 24139043, 27522229). This suggests that this is a clinically significant region of the protein, and that variants that disrupt it are likely to be disease-causing. Algorithms developed to predict the effect of sequence changes on RNA splicing suggest that this variant may create or strengthen a splice site. This variant has not been reported in the literature in individuals affected with ASNS-related conditions. This variant is not present in population databases (gnomAD no frequency). This sequence change creates a premature translational stop signal (p.Gln492*) in the ASNS gene. While this is not anticipated to result in nonsense mediated decay, it is expected to disrupt the last 70 amino acid(s) of the ASNS protein.

Literature cited by the submitters: PubMed 24139043; PubMed 27522229.

NM_001673.5(ASNS):c.1474C>T (p.Gln492Ter)

Genes: ASNS (asparagine synthetase (glutamine-hydrolyzing); minus strand), CZ1P-ASNS (CZ1P-ASNS readthrough; minus strand). Cytogenetic location: 7q21.3.
Variant type: single nucleotide variant.
Coding change: c.1474C>T on transcript NM_001673.5 (MANE Select); coding-DNA position 1474, C replaced by T.
Protein change: p.Gln492Ter; replaces glutamine 492 with a stop codon.
Molecular consequence: nonsense. On other transcripts: non-coding transcript variant (1).
Genome position (GRCh38, 1-based): chr7:97,853,062, G>A on the plus strand (C>T on the coding strand, the complement: ASNS is on the minus strand). VCF-style: chr7-97853062-G-A. GRCh37 (hg19) VCF-style: chr7-97482374-G-A.
Other names: c.1411C>T, p.Gln471Ter (NM_001178075.2); c.1225C>T, p.Gln409Ter (NM_001178076.2, NM_001178077.1); c.1474C>T, p.Gln492Ter (NM_001352496.2, NM_133436.3, NM_183356.4); short protein forms Q471*, Q492*, Q409*.
Identifiers: ClinVar variation 2823801 (VCV002823801.3), dbSNP rs2484628083, ClinGen allele CA368264420.